The following is an entry in ClinVar:

ClinVar aggregate classification (germline): Uncertain significance. Review status: criteria provided, multiple submitters, no conflicts (2 of 4 stars). 2 submissions from 2 submitters: Uncertain significance (2). Last evaluated 2026-07-07.

Conditions:
Hereditary cancer-predisposing syndrome. Also called: Tumor predisposition; Hereditary Cancer Syndrome; Hereditary neoplastic syndrome; Neoplastic Syndromes, Hereditary. Identifiers: Orphanet 140162, MedGen C0027672, MeSH D009386, MONDO:0015356.

Allele frequency attached by ClinVar (database versions not stated): gnomAD exomes 0.00001.
gnomAD v4.1: 3 of 1,613,728 alleles (0.00019%); highest among the groups gnomAD compares: East Asian, 0.0022%; no homozygotes.

Submissions (2):

Ambry Genetics
Classification: Uncertain significance for Hereditary cancer-predisposing syndrome. Last evaluated: 2026-07-07. Review status: criteria provided, single submitter. Criteria: Ambry Variant Classification Scheme 2023. Collection method: clinical testing. Allele origin: germline.
Comment: The p.S680T variant (also known as c.2039G>C), located in coding exon 14 of the MSH3 gene, results from a G to C substitution at nucleotide position 2039. The serine at codon 680 is replaced by threonine, an amino acid with similar properties. This amino acid position is conserved. In addition, this alteration is predicted to be tolerated by in silico analysis. Based on the available evidence, the clinical significance of this variant remains unclear.

Labcorp Genetics (formerly Invitae), Labcorp
Classification: Uncertain significance. Last evaluated: 2020-01-10. Review status: criteria provided, single submitter. Criteria: Invitae Variant Classification Sherloc (09022015). Collection method: clinical testing. Allele origin: germline.
Comment: In summary, the available evidence is currently insufficient to determine the role of this variant in disease. Therefore, it has been classified as a Variant of Uncertain Significance. Algorithms developed to predict the effect of missense changes on protein structure and function are either unavailable or do not agree on the potential impact of this missense change (SIFT: "Deleterious"; PolyPhen-2: "Benign"; Align-GVGD: "Class C0"). This variant has not been reported in the literature in individuals with MSH3-related conditions. This variant is not present in population databases (ExAC no frequency). This sequence change replaces serine with threonine at codon 680 of the MSH3 protein (p.Ser680Thr). The serine residue is moderately conserved and there is a small physicochemical difference between serine and threonine.

NM_002439.5(MSH3):c.2039G>C (p.Ser680Thr)

Gene: MSH3 (mutS homolog 3; plus strand). Cytogenetic location: 5q14.1.
Variant type: single nucleotide variant.
Coding change: c.2039G>C on transcript NM_002439.5 (MANE Select); coding-DNA position 2039, G replaced by C.
Protein change: p.Ser680Thr; replaces serine 680 with threonine.
Molecular consequence: missense variant.
Genome position (GRCh38, 1-based): chr5:80,768,075, G>C. VCF-style: chr5-80768075-G-C. GRCh37 (hg19) VCF-style: chr5-80063894-G-C.
Other names: c.2039G>C (NM_002439.3); short protein forms S680T.
Identifiers: ClinVar variation 1012100 (VCV001012100.10), dbSNP rs1744154059, ClinGen allele CA360277848.
Genomic context (GRCh38, chr5:80,768,075, plus strand): 5'-ATTCCCACATTCAGTCAGACTTGCTCCGGACCGTTATTTTAGAAATTCCTGAACTCCTCA[G>C]TCCAGTGGAGCATTACTTAAAGATACTCAATGAACAAGCTGCCAAGTAAGTACCAGACCC-3'
Protein context (NP_002430.3, residues 670-690): TVILEIPELL[Ser680Thr]PVEHYLKILN